The following is an entry in ClinVar:

ClinVar aggregate classification (germline): Conflicting classifications of pathogenicity. Review status: criteria provided, conflicting classifications (1 of 4 stars). 2 submissions from 2 submitters: Uncertain significance (1); Likely benign (1). Last evaluated 2022-10-06.

Conditions:
Spinocerebellar ataxia type 5 (SCA5). Identifiers: Orphanet 98766, MedGen C0752123, MONDO:0010848, OMIM 600224.

Allele frequency attached by ClinVar (database versions not stated): gnomAD 0.00001; TOPMed 0.00002.
gnomAD v4.1: 23 of 1,602,602 alleles (0.0014%); highest among the groups gnomAD compares: South Asian, 0.0022%; no homozygotes.

Submissions (2):

Labcorp Genetics (formerly Invitae), Labcorp
Classification: Likely benign. Last evaluated: 2022-10-06. Review status: criteria provided, single submitter. Criteria: Invitae Variant Classification Sherloc (09022015). Collection method: clinical testing. Allele origin: germline.

3billion
Classification: Uncertain significance for Spinocerebellar ataxia type 5. Last evaluated: 2022-05-22. Review status: criteria provided, single submitter. Criteria: ACMG Guidelines, 2015. Collection method: clinical testing. Allele origin: germline. Affected: yes. Observed: 1 heterozygote.
Comment: The variant is observed at an extremely low frequency in the gnomAD v2.1.1 dataset (total allele frequency: 0.002%). Missense changes are a common disease-causing mechanism. Therefore, this variant is classified as uncertain significanceaccording to the recommendation of ACMG/AMP guideline.

NM_006946.4(SPTBN2):c.2558C>T (p.Ala853Val)

Gene: SPTBN2 (spectrin beta, non-erythrocytic 2; minus strand). Cytogenetic location: 11q13.2.
Variant type: single nucleotide variant.
Coding change: c.2558C>T on transcript NM_006946.4 (MANE Select); coding-DNA position 2558, C replaced by T.
Protein change: p.Ala853Val; replaces alanine 853 with valine.
Molecular consequence: missense variant.
Genome position (GRCh38, 1-based): chr11:66,704,718, G>A on the plus strand (C>T on the coding strand, the complement: SPTBN2 is on the minus strand). VCF-style: chr11-66704718-G-A. GRCh37 (hg19) VCF-style: chr11-66472189-G-A.
Other names: short protein forms A853V.
Identifiers: ClinVar variation 1687336 (VCV001687336.6), dbSNP rs773989387, ClinGen allele CA6129093.